The following is an entry in ClinVar:

ClinVar aggregate classification (germline): Uncertain significance (1 of 4 stars; one submission).

Conditions:
Inborn genetic diseases. Identifiers: MedGen C0950123, MeSH D030342.

Submission:

Ambry Genetics
Classification: Uncertain significance for Inborn genetic diseases. Last evaluated: 2025-08-19. Review status: criteria provided, single submitter. Criteria: Ambry Variant Classification Scheme 2023. Collection method: clinical testing. Allele origin: germline.
Comment: The p.D999Y variant (also known as c.2995G>T), located in coding exon 31 of the FANCA gene, results from a G to T substitution at nucleotide position 2995. The aspartic acid at codon 999 is replaced by tyrosine, an amino acid with highly dissimilar properties. This amino acid position is conserved. In addition, this alteration is predicted to be tolerated by in silico analysis. Based on the available evidence, the clinical significance of this variant remains unclear.

NM_000135.4(FANCA):c.2995G>T (p.Asp999Tyr)

Gene: FANCA (FA complementation group A; minus strand). Cytogenetic location: 16q24.3.
Variant type: single nucleotide variant.
Coding change: c.2995G>T on transcript NM_000135.4 (MANE Select); coding-DNA position 2995, G replaced by T.
Protein change: p.Asp999Tyr; replaces aspartic acid 999 with tyrosine.
Molecular consequence: missense variant.
Genome position (GRCh38, 1-based): chr16:89,752,209, C>A on the plus strand (G>T on the coding strand, the complement: FANCA is on the minus strand). VCF-style: chr16-89752209-C-A. GRCh37 (hg19) VCF-style: chr16-89818617-C-A.
Other names: c.2995G>T, p.Asp999Tyr (NM_001286167.3); short protein forms D999Y.
Identifiers: ClinVar variation 4254299 (VCV004254299.1).